The following is an entry in ClinVar:

ClinVar aggregate classification (germline): Uncertain significance. Review status: criteria provided, multiple submitters, no conflicts (2 of 4 stars). 2 submissions from 2 submitters: Uncertain significance (2). Last evaluated 2025-04-23.

Conditions:
LAMB1-related disorder. Also called: LAMB1-related condition.

Allele frequency attached by ClinVar (database versions not stated): ExAC 0.00002; gnomAD 0.00011; TOPMed 0.00018; ESP Exome Variant Server 0.00023.
gnomAD v4.1: 39 of 1,613,160 alleles (0.0024%); highest among the groups gnomAD compares: African/African-American, 0.049%; no homozygotes.

Submissions (2):

PreventionGenetics, part of Exact Sciences
Classification: Uncertain significance for LAMB1-related condition. Last evaluated: 2025-04-23. Review status: criteria provided, single submitter. Criteria: ACMG Guidelines, 2015. Collection method: clinical testing. Allele origin: germline.
Comment: The LAMB1 c.4519A>G variant is predicted to result in the amino acid substitution p.Ile1507Val. To our knowledge, this variant has not been reported in the literature. This variant is reported in 0.024% of alleles in individuals of African descent in gnomAD. At this time, the clinical significance of this variant is uncertain due to the absence of conclusive functional and genetic evidence.

Labcorp Genetics (formerly Invitae), Labcorp
Classification: Uncertain significance. Last evaluated: 2024-06-28. Review status: criteria provided, single submitter. Criteria: Invitae Variant Classification Sherloc (09022015). Collection method: clinical testing. Allele origin: germline.
Comment: This sequence change replaces isoleucine, which is neutral and non-polar, with valine, which is neutral and non-polar, at codon 1507 of the LAMB1 protein (p.Ile1507Val). This variant is present in population databases (rs140213228, gnomAD 0.02%). This variant has not been reported in the literature in individuals affected with LAMB1-related conditions. ClinVar contains an entry for this variant (Variation ID: 2634584). An algorithm developed to predict the effect of missense changes on protein structure and function (PolyPhen-2) suggests that this variant is likely to be tolerated. In summary, the available evidence is currently insufficient to determine the role of this variant in disease. Therefore, it has been classified as a Variant of Uncertain Significance.

NM_002291.3(LAMB1):c.4519A>G (p.Ile1507Val)

Gene: LAMB1 (laminin subunit beta 1; minus strand). Cytogenetic location: 7q31.1.
Variant type: single nucleotide variant.
Coding change: c.4519A>G on transcript NM_002291.3 (MANE Select); coding-DNA position 4519, A replaced by G.
Protein change: p.Ile1507Val; replaces isoleucine 1507 with valine.
Molecular consequence: missense variant.
Genome position (GRCh38, 1-based): chr7:107,931,374, T>C on the plus strand (A>G on the coding strand, the complement: LAMB1 is on the minus strand). VCF-style: chr7-107931374-T-C. GRCh37 (hg19) VCF-style: chr7-107571819-T-C.
Other names: short protein forms I1507V.
Identifiers: ClinVar variation 2634584 (VCV002634584.4), dbSNP rs140213228, ClinGen allele CA4435016.
Genomic context (GRCh38, chr7:107,931,374, plus strand): 5'-ACAGAAACAAATGTCTAAAAGTAAAATGAAAAAATTTCTTACGGGTCAAAAAGTTTCTGA[T>C]TTGCTTGATTAGATTTCTCAGCTCCTCATTGCTCTTGTCCATTTTTTCTTTGGTAGCATT-3'
Protein context (NP_002282.2, residues 1497-1517): NEELRNLIKQ[Ile1507Val]RNFLTQDSAD